The following is an entry in ClinVar:

NM_020207.7(ERCC6L2):c.693A>T (p.Arg231Ser)

Gene: ERCC6L2 (ERCC excision repair 6 like 2; plus strand). Cytogenetic location: 9q22.32.
Variant type: single nucleotide variant.
Coding change: c.693A>T on transcript NM_020207.7 (MANE Select); coding-DNA position 693, A replaced by T.
Protein change: p.Arg231Ser; replaces arginine 231 with serine.
Molecular consequence: missense variant. On other transcripts: non-coding transcript variant (1).
Genome position (GRCh38, 1-based): chr9:95,907,176, A>T. VCF-style: chr9-95907176-A-T. GRCh37 (hg19) VCF-style: chr9-98669458-A-T.
Other names: c.693A>T, p.Arg231Ser (NM_001010895.4, NM_001375291.1, NM_001375292.1 and 2 more transcripts); short protein forms R231S.
Identifiers: ClinVar variation 4618717 (VCV004618717.1).

ClinVar aggregate classification (germline): Uncertain significance (1 of 4 stars; one submission).

Conditions:
Inborn genetic diseases. Identifiers: MedGen C0950123, MeSH D030342.

Submission:

Ambry Genetics
Classification: Uncertain significance for Inborn genetic diseases. Last evaluated: 2025-10-02. Review status: criteria provided, single submitter. Criteria: Ambry Variant Classification Scheme 2023. Collection method: clinical testing. Allele origin: germline.
Comment: The p.R231S variant (also known as c.693A>T), located in coding exon 4 of the ERCC6L2 gene, results from an A to T substitution at nucleotide position 693. The arginine at codon 231 is replaced by serine, an amino acid with dissimilar properties. This amino acid position is conserved. In addition, this alteration is predicted to be tolerated by in silico analysis. Based on the available evidence, the clinical significance of this variant remains unclear.